The following is an entry in ClinVar:

ClinVar aggregate classification (germline): Uncertain significance. Review status: criteria provided, multiple submitters, no conflicts (2 of 4 stars). 2 submissions from 2 submitters: Uncertain significance (2). Last evaluated 2025-07-14.

Conditions:
Developmental and epileptic encephalopathy, 42 (DEE42A). Also called: Epileptic encephalopathy, early infantile, 42; DEVELOPMENTAL AND EPILEPTIC ENCEPHALOPATHY 42A; EPILEPTIC ENCEPHALOPATHY, EARLY INFANTILE, 42A. Identifiers: MedGen C4310716, MONDO:0014917, OMIM 617106.
Episodic ataxia type 2 (EA2). Also called: EPISODIC ATAXIA, NYSTAGMUS-ASSOCIATED; ACETAZOLAMIDE-RESPONSIVE HEREDITARY PAROXYSMAL CEREBELLAR ATAXIA; ATAXIA, EPISODIC, WITH NYSTAGMUS; ATAXIA, FAMILIAL PAROXYSMAL; CEREBELLAR ATAXIA, PAROXYSMAL, ACETAZOLAMIDE-RESPONSIVE; CEREBELLOPATHY, HEREDITARY PAROXYSMAL. Identifiers: Orphanet 97, MedGen C1720416, MONDO:0007163, OMIM 108500.

Allele frequency attached by ClinVar (database versions not stated): gnomAD exomes below 0.00001.
gnomAD v4.1: 1 of 1,599,158 alleles (0.000063%); highest among the groups gnomAD compares: Non-Finnish European, 0.000085%; no homozygotes.

Submissions (2):

GeneDx
Classification: Uncertain significance. Last evaluated: 2025-07-14. Review status: criteria provided, single submitter. Criteria: GeneDx Variant Classification Process June 2021. Collection method: clinical testing. Allele origin: germline. Affected: yes.
Comment: Not observed at significant frequency in large population cohorts (gnomAD); In silico analysis supports that this missense variant has a deleterious effect on protein structure/function; Has not been previously published as pathogenic or benign to our knowledge

Labcorp Genetics (formerly Invitae), Labcorp
Classification: Uncertain significance for Developmental and epileptic encephalopathy, 42; Episodic ataxia type 2. Last evaluated: 2022-06-04. Review status: criteria provided, single submitter. Criteria: Invitae Variant Classification Sherloc (09022015). Collection method: clinical testing. Allele origin: germline.
Comment: This variant has not been reported in the literature in individuals affected with CACNA1A-related conditions. This variant is not present in population databases (gnomAD no frequency). This sequence change replaces alanine, which is neutral and non-polar, with threonine, which is neutral and polar, at codon 718 of the CACNA1A protein (p.Ala718Thr). ClinVar contains an entry for this variant (Variation ID: 1390420). In summary, the available evidence is currently insufficient to determine the role of this variant in disease. Therefore, it has been classified as a Variant of Uncertain Significance. Advanced modeling of protein sequence and biophysical properties (such as structural, functional, and spatial information, amino acid conservation, physicochemical variation, residue mobility, and thermodynamic stability) performed at Invitae indicates that this missense variant is expected to disrupt CACNA1A protein function.

NM_001127222.2(CACNA1A):c.2149G>A (p.Ala717Thr)

Gene: CACNA1A (calcium voltage-gated channel subunit alpha1 A; minus strand). Cytogenetic location: 19p13.13.
Variant type: single nucleotide variant.
Coding change: c.2149G>A on transcript NM_001127222.2 (MANE Select); coding-DNA position 2149, G replaced by A.
Protein change: p.Ala717Thr; replaces alanine 717 with threonine.
Molecular consequence: missense variant.
Genome position (GRCh38, 1-based): chr19:13,303,569, C>T on the plus strand (G>A on the coding strand, the complement: CACNA1A is on the minus strand). VCF-style: chr19-13303569-C-T. GRCh37 (hg19) VCF-style: chr19-13414383-C-T.
Other names: c.2152G>A (NM_001127221.1); c.2152G>A, p.Ala718Thr (NM_000068.4, NM_001127221.2, NM_001174080.2 and 1 more transcripts); short protein forms A718T, A717T.
Identifiers: ClinVar variation 1390420 (VCV001390420.9), dbSNP rs2144979185, ClinGen allele CA404344150.